The following is an entry in ClinVar:

ClinVar aggregate classification (germline): Likely pathogenic. Review status: criteria provided, multiple submitters, no conflicts (2 of 4 stars). 2 submissions from 2 submitters: Likely pathogenic (2). Last evaluated 2025-03-27.

Conditions:
TPM1-related disorder. Also called: TPM1-related condition.
Cardiomyopathy (CMYO). Also called: Cardiomyopathies. Identifiers: Orphanet 167848, MedGen C0878544, MONDO:0004994, HP:0001638. Inheritance: Various modes of inheritance.

Submissions (2):

PreventionGenetics, part of Exact Sciences
Classification: Likely pathogenic for TPM1-related condition. Last evaluated: 2025-03-27. Review status: criteria provided, single submitter. Criteria: ACMG Guidelines, 2015. Collection method: clinical testing. Allele origin: germline.
Comment: The TPM1 c.88_90delAAG variant is predicted to result in an in-frame deletion (p.Lys30del). This variant was reported to have occurred de novo in an individual with dilated cardiomyopathy (Table S1, Lesurf et al. 2022. PubMed ID: 35288587). This variant has not been reported in a large population database (gnomAD), indicating this variant is rare. This variant is interpreted as likely pathogenic.

CHEO Genetics Diagnostic Laboratory, Children's Hospital of Eastern Ontario
Classification: Likely pathogenic for Cardiomyopathy. Last evaluated: 2018-10-23. Review status: criteria provided, single submitter. Criteria: ACMG Guidelines, 2015. Collection method: clinical testing. Allele origin: germline.

NM_001018005.2(TPM1):c.85AAG[1] (p.Lys30del)

Gene: TPM1 (tropomyosin 1; plus strand). Cytogenetic location: 15q22.2.
Variant type: Microsatellite.
Coding change: c.85AAG[1] on transcript NM_001018005.2 (MANE Select); one copy of the 3-base unit AAG starting at c.85; the reference has two copies in a row; one copy, 3 bases deleted.
Protein change: p.Lys30del; deletes lysine 30.
Molecular consequence: inframe deletion.
Genome position (GRCh38, 1-based): chr15:63,042,917-63,042,919, AAG deleted; deleting any 3 consecutive bases within chr15:63,042,914-63,042,919 gives the same sequence; the position shown is the placement nearest the transcript's 3' end. VCF-style (leftmost placement, unchanged base first): chr15-63042913-CAAG-C. GRCh37 (hg19) VCF-style: chr15-63335112-CAAG-C.
Other names: c.85AAG[1], p.Lys30del (NM_000366.6, NM_001018004.2, NM_001018006.2 and 7 more transcripts); c.88_90delAAG (NM_001018020.1); short protein forms K30del.
Identifiers: ClinVar variation 915626 (VCV000915626.4), dbSNP rs2031437544, ClinGen allele CA1139664024.
Genomic context (GRCh38, chr15:63,042,913, plus strand): 5'-GCAGATGCTGAAGCTCGACAAGGAGAACGCCTTGGATCGAGCTGAGCAGGCGGAGGCCGA[CAAG>C]AAGGCGGCGGAAGACAGGAGCAAGCAGGTCTGCGCCTCCCCGGCCCTGCGCCCGCGCCCA-3'